The following is an entry in ClinVar:

NM_000392.5(ABCC2):c.2578A>T (p.Lys860Ter)

Gene: ABCC2 (ATP binding cassette subfamily C member 2; plus strand). Cytogenetic location: 10q24.2.
Variant type: single nucleotide variant.
Coding change: c.2578A>T on transcript NM_000392.5 (MANE Select); coding-DNA position 2578, A replaced by T.
Protein change: p.Lys860Ter; replaces lysine 860 with a stop codon.
Molecular consequence: nonsense.
Genome position (GRCh38, 1-based): chr10:99,819,227, A>T. VCF-style: chr10-99819227-A-T. GRCh37 (hg19) VCF-style: chr10-101578984-A-T.
Other names: short protein forms K860*.
Identifiers: ClinVar variation 2990364 (VCV002990364.3), dbSNP rs765109547, ClinGen allele CA5643514.
Genomic context (GRCh38, chr10:99,819,227, plus strand): 5'-GTAGAGAAAGGATCCTACAGTGCTCTCCTGGCCAAAAAAGGAGAGTTTGCTAAGAATCTG[A>T]AGACATTTCTAAGACATACAGGCCCTGAAGAGGAAGCCACAGGTATGTAAGAAGGATTGG-3'

ClinVar aggregate classification (germline): Pathogenic (1 of 4 stars; one submission).

Allele frequency attached by ClinVar (database versions not stated): gnomAD exomes below 0.00001; ExAC 0.00001; gnomAD 0.00001.
gnomAD v4.1: 2 of 1,614,026 alleles (0.00012%); highest among the groups gnomAD compares: Non-Finnish European, 0.00017%; no homozygotes.

Submission:

Labcorp Genetics (formerly Invitae), Labcorp
Classification: Pathogenic. Last evaluated: 2024-01-04. Review status: criteria provided, single submitter. Criteria: Invitae Variant Classification Sherloc (09022015). Collection method: clinical testing. Allele origin: germline.
Comment: This sequence change creates a premature translational stop signal (p.Lys860*) in the ABCC2 gene. It is expected to result in an absent or disrupted protein product. Loss-of-function variants in ABCC2 are known to be pathogenic (PMID: 9185779, 16549534, 16952291). This variant is present in population databases (rs765109547, gnomAD 0.0009%). This variant has not been reported in the literature in individuals affected with ABCC2-related conditions. Algorithms developed to predict the effect of sequence changes on RNA splicing suggest that this variant may disrupt the consensus splice site. For these reasons, this variant has been classified as Pathogenic.

Literature cited by the submitters: PubMed 9185779; PubMed 16549534; PubMed 16952291.